The following is an entry in ClinVar:

ClinVar aggregate classification (germline): Uncertain significance (1 of 4 stars; one submission).

Allele frequency attached by ClinVar (database versions not stated): gnomAD exomes below 0.00001 and 0.00001; TOPMed below 0.00001; ExAC 0.00001; gnomAD 0.00001.
gnomAD v4.1: 12 of 1,612,812 alleles (0.00074%); highest among the groups gnomAD compares: Non-Finnish European, 0.001%; no homozygotes.

Submission:

Labcorp Genetics (formerly Invitae), Labcorp
Classification: Uncertain significance. Last evaluated: 2021-02-15. Review status: criteria provided, single submitter. Criteria: Invitae Variant Classification Sherloc (09022015). Collection method: clinical testing. Allele origin: germline.
Comment: This sequence change replaces glutamic acid with glycine at codon 293 of the PDE6C protein (p.Glu293Gly). The glutamic acid residue is highly conserved and there is a moderate physicochemical difference between glutamic acid and glycine. Algorithms developed to predict the effect of missense changes on protein structure and function are either unavailable or do not agree on the potential impact of this missense change (SIFT: "Deleterious"; PolyPhen-2: "Probably Damaging"; Align-GVGD: "Class C0"). This variant has not been reported in the literature in individuals with PDE6C-related conditions. This variant is present in population databases (rs763386959, ExAC 0.002%). In summary, the available evidence is currently insufficient to determine the role of this variant in disease. Therefore, it has been classified as a Variant of Uncertain Significance.

NM_006204.4(PDE6C):c.878A>G (p.Glu293Gly)

Gene: PDE6C (phosphodiesterase 6C; plus strand). Cytogenetic location: 10q23.33.
Variant type: single nucleotide variant.
Coding change: c.878A>G on transcript NM_006204.4 (MANE Select); coding-DNA position 878, A replaced by G.
Protein change: p.Glu293Gly; replaces glutamic acid 293 with glycine.
Molecular consequence: missense variant.
Genome position (GRCh38, 1-based): chr10:93,625,588, A>G. VCF-style: chr10-93625588-A-G. GRCh37 (hg19) VCF-style: chr10-95385345-A-G.
Other names: short protein forms E293G.
Identifiers: ClinVar variation 1438463 (VCV001438463.8), dbSNP rs763386959, ClinGen allele CA5609974.